The following is an entry in ClinVar:

ClinVar aggregate classification (germline): Pathogenic (1 of 4 stars; one submission).

Conditions:
Hereditary cancer-predisposing syndrome. Also called: Neoplastic Syndromes, Hereditary; Tumor predisposition; Hereditary Cancer Syndrome; Hereditary neoplastic syndrome. Identifiers: Orphanet 140162, MedGen C0027672, MeSH D009386, MONDO:0015356.
Cardiovascular phenotype. Identifiers: MedGen CN230736.

Submission:

Ambry Genetics
Classification: Pathogenic for Cardiovascular phenotype; Hereditary cancer-predisposing syndrome. Last evaluated: 2021-07-28. Review status: criteria provided, single submitter. Criteria: Ambry Variant Classification Scheme 2023. Collection method: clinical testing. Allele origin: germline.
Comment: The p.K2534* pathogenic mutation (also known as c.7600A>T), located in coding exon 51 of the NF1 gene, results from an A to T substitution at nucleotide position 7600. This changes the amino acid from a lysine to a stop codon within coding exon 51. This alteration is expected to result in loss of function by premature protein truncation or nonsense-mediated mRNA decay. As such, this alteration is interpreted as a disease-causing mutation.

NM_001042492.3(NF1):c.7663A>T (p.Lys2555Ter)

Gene: NF1 (neurofibromin 1; plus strand). Cytogenetic location: 17q11.2.
Variant type: single nucleotide variant.
Coding change: c.7663A>T on transcript NM_001042492.3 (MANE Select); coding-DNA position 7663, A replaced by T.
Protein change: p.Lys2555Ter; replaces lysine 2555 with a stop codon.
Molecular consequence: nonsense.
Genome position (GRCh38, 1-based): chr17:31,356,507, A>T. VCF-style: chr17-31356507-A-T. GRCh37 (hg19) VCF-style: chr17-29683525-A-T.
Other names: c.7600A>T, p.Lys2534Ter (NM_000267.4); short protein forms K2534*, K2555*.
Identifiers: ClinVar variation 1759760 (VCV001759760.2), dbSNP rs786203792, ClinGen allele CA399018075.